The following is an entry in ClinVar:

ClinVar aggregate classification (germline): Pathogenic. Review status: criteria provided, multiple submitters, no conflicts (2 of 4 stars). 2 submissions from 2 submitters: Pathogenic (2). Last evaluated 2025-03-22.

Conditions:
Hereditary cancer-predisposing syndrome. Also called: Neoplastic Syndromes, Hereditary; Tumor predisposition; Hereditary neoplastic syndrome; Hereditary Cancer Syndrome. Identifiers: Orphanet 140162, MedGen C0027672, MeSH D009386, MONDO:0015356.
Hereditary breast ovarian cancer syndrome. Also called: BRCA1- and BRCA2-Associated Hereditary Breast and Ovarian Cancer; Hereditary breast and ovarian cancer; Hereditary breast and ovarian cancer syndrome; Hereditary breast and/or ovarian cancer syndrome; Hereditary breast and ovarian cancer syndrome (HBOC); Breast and ovarian cancer. Identifiers: Orphanet 145, MedGen C0677776, MeSH D061325, MONDO:0003582. Disease mechanism: loss of function.

Submissions (2):

Ambry Genetics
Classification: Pathogenic for Hereditary cancer-predisposing syndrome. Last evaluated: 2025-03-22. Review status: criteria provided, single submitter. Criteria: Ambry Variant Classification Scheme 2023. Collection method: clinical testing. Allele origin: germline.
Comment: The c.6648_6649dupCA pathogenic mutation, located in coding exon 10 of the BRCA2 gene, results from a duplication of CA at nucleotide position 6648, causing a translational frameshift with a predicted alternate stop codon (p.K2217Tfs*13). This variant is considered to be rare based on population cohorts in the Genome Aggregation Database (gnomAD). This alteration is expected to result in loss of function by premature protein truncation or nonsense-mediated mRNA decay. As such, this alteration is interpreted as a disease-causing mutation.

Labcorp Genetics (formerly Invitae), Labcorp
Classification: Pathogenic for Hereditary breast ovarian cancer syndrome. Last evaluated: 2021-01-05. Review status: criteria provided, single submitter. Criteria: Invitae Variant Classification Sherloc (09022015). Collection method: clinical testing. Allele origin: germline.
Comment: This sequence change creates a premature translational stop signal (p.Lys2217Thrfs*13) in the BRCA2 gene. It is expected to result in an absent or disrupted protein product. Loss-of-function variants in BRCA2 are known to be pathogenic (PMID: 20104584). This variant is not present in population databases (ExAC no frequency). This variant has not been reported in the literature in individuals with BRCA2-related conditions. For these reasons, this variant has been classified as Pathogenic.

Literature cited by the submitters: PubMed 20104584 (cited by Labcorp Genetics (formerly Invitae), Labcorp).

NM_000059.4(BRCA2):c.6648_6649dup (p.Lys2217fs)

Gene: BRCA2 (BRCA2 DNA repair associated; plus strand). Cytogenetic location: 13q13.1.
Variant type: Duplication.
Coding change: c.6648_6649dup on transcript NM_000059.4 (MANE Select); coding-DNA positions 6648 to 6649, 2 bases duplicated (CA; older notation c.6648_6649dupCA).
Protein change: p.Lys2217fs; shifts the reading frame from lysine 2217.
Molecular consequence: frameshift variant.
Genome position (GRCh38, 1-based): chr13:32,341,003-32,341,004, CA duplicated. VCF-style (leftmost placement, unchanged base first): chr13-32341002-C-CCA. GRCh37 (hg19) VCF-style: chr13-32915139-C-CCA.
Other names: c.6648_6649dupCA (NM_000059.3); short protein forms K2217fs.
Identifiers: ClinVar variation 1371230 (VCV001371230.7), dbSNP rs2137529420, ClinGen allele CA2573149195.